The following is an entry in ClinVar:

ClinVar aggregate classification (germline): Pathogenic (1 of 4 stars; one submission).

Conditions:
X-linked agammaglobulinemia with growth hormone deficiency (IGHD3). Also called: AGAMMAGLOBULINEMIA AND ISOLATED GROWTH HORMONE DEFICIENCY, X-LINKED; FLEISHER SYNDROME; HYPOGAMMAGLOBULINEMIA AND ISOLATED GROWTH HORMONE DEFICIENCY, X-LINKED; IGHD III; ISOLATED GROWTH HORMONE DEFICIENCY, TYPE III, WITH AGAMMAGLOBULINEMIA; Isolated growth hormone deficiency type 3. Identifiers: Orphanet 231692, Orphanet 631, MedGen C0472813, MONDO:0010615, OMIM 307200.

Submission:

Labcorp Genetics (formerly Invitae), Labcorp
Classification: Pathogenic for X-linked agammaglobulinemia with growth hormone deficiency. Last evaluated: 2024-05-10. Review status: criteria provided, single submitter. Criteria: Invitae Variant Classification Sherloc (09022015). Collection method: clinical testing. Allele origin: germline.
Comment: This sequence change creates a premature translational stop signal (p.Trp581Cysfs*18) in the BTK gene. It is expected to result in an absent or disrupted protein product. Loss-of-function variants in BTK are known to be pathogenic (PMID: 15661032, 16862044, 19419768). This variant is not present in population databases (gnomAD no frequency). This variant has not been reported in the literature in individuals affected with BTK-related conditions. For these reasons, this variant has been classified as Pathogenic.

Literature cited by the submitters: PubMed 15661032; PubMed 16862044; PubMed 19419768.

NM_000061.3(BTK):c.1743_1744del (p.Trp581fs)

Gene: BTK (Bruton tyrosine kinase; minus strand). Cytogenetic location: Xq22.1.
Variant type: Deletion.
Coding change: c.1743_1744del on transcript NM_000061.3 (MANE Select); coding-DNA positions 1743 to 1744, 2 bases deleted (GG; older notation c.1743_1744delGG).
Protein change: p.Trp581fs; shifts the reading frame from tryptophan 581.
Molecular consequence: frameshift variant.
Genome position (GRCh38, 1-based): chrX:101,353,876-101,353,877, CC deleted on the plus strand (GG on the coding strand, the reverse complement: BTK is on the minus strand); deleting any 2 consecutive bases within chrX:101,353,876-101,353,878 gives the same sequence; the c. name uses the placement nearest the transcript's 3' end. VCF-style (leftmost placement, unchanged base first): chrX-101353875-GCC-G. GRCh37 (hg19) VCF-style: chrX-100608863-GCC-G.
Other names: c.1845_1846del, p.Trp615fs (NM_001287344.2); c.1215_1216del, p.Trp405fs (NM_001287345.2); short protein forms W405fs, W581fs, W615fs.
Identifiers: ClinVar variation 3652935 (VCV003652935.2).
Genomic context (GRCh38, chrX:101,353,875, plus strand): 5'-CCATTGCATTTCTTATCCTTTGAGCTGTATAATCTGTGTAATCTTATCCACTTACCAAAA[GCC>G]CAAATGTCAGATTTGCTGCTGAACTTGCTATACATCAGGACTTCCGGTGGGGACCACCGG-3'